The following is an entry in ClinVar:

ClinVar aggregate classification (germline): Likely benign. Review status: reviewed by expert panel (3 of 4 stars). 2 submissions from 2 submitters: Likely benign (1). 1 of the submissions does not count toward it. Last evaluated 2017-06-29.

Conditions:
Hereditary cancer-predisposing syndrome. Also called: Hereditary neoplastic syndrome; Hereditary Cancer Syndrome; Neoplastic Syndromes, Hereditary; Tumor predisposition. Identifiers: Orphanet 140162, MedGen C0027672, MeSH D009386, MONDO:0015356.
Breast-ovarian cancer, familial, susceptibility to, 2 (BROVCA2). Also called: BRCA2 Hereditary Breast and Ovarian Cancer. Identifiers: Orphanet 145, MedGen C2675520, MONDO:0012933, OMIM 612555. Disease mechanism: loss of function.

Allele frequency attached by ClinVar (database versions not stated): gnomAD exomes below 0.00001; ExAC 0.00001.
gnomAD v4.1: 1 of 1,614,116 alleles (0.000062%); highest among the groups gnomAD compares: South Asian, 0.0011%; no homozygotes.

Submissions (2):

Evidence-based Network for the Interpretation of Germline Mutant Alleles (ENIGMA)
Classification: Likely benign for Breast-ovarian cancer, familial, susceptibility to, 2. Last evaluated: 2017-06-29. Review status: reviewed by expert panel. Criteria: ENIGMA BRCA1/2 Classification Criteria (2017-06-29). Collection method: curation. Allele origin: germline.
Comment: Synonymous substitution variant, with low bioinformatic likelihood to result in a splicing aberration (Splicing prior probability 0.02).

Ambry Genetics
Classification: Likely benign for Hereditary cancer-predisposing syndrome. Last evaluated: 2020-10-01. Review status: criteria provided, single submitter. Criteria: Ambry Variant Classification Scheme 2023. Collection method: clinical testing. Allele origin: germline. Not counted in ClinVar's aggregate classification.

NM_000059.4(BRCA2):c.9909T>C (p.Ser3303=)

Gene: BRCA2 (BRCA2 DNA repair associated; plus strand). Cytogenetic location: 13q13.1.
Variant type: single nucleotide variant.
Coding change: c.9909T>C on transcript NM_000059.4 (MANE Select); coding-DNA position 9909, T replaced by C.
Protein change: p.Ser3303=; no amino-acid change (serine 3303 retained).
Molecular consequence: synonymous variant.
Genome position (GRCh38, 1-based): chr13:32,398,422, T>C. VCF-style: chr13-32398422-T-C. GRCh37 (hg19) VCF-style: chr13-32972559-T-C.
Identifiers: ClinVar variation 427430 (VCV000427430.5), dbSNP rs774410550, ClinGen allele CA6941454.